The following is an entry in ClinVar:

NM_014714.4(IFT140):c.2092T>A (p.Phe698Ile)

Gene: IFT140 (intraflagellar transport 140; minus strand). Cytogenetic location: 16p13.3.
Variant type: single nucleotide variant.
Coding change: c.2092T>A on transcript NM_014714.4 (MANE Select); coding-DNA position 2092, T replaced by A.
Protein change: p.Phe698Ile; replaces phenylalanine 698 with isoleucine.
Molecular consequence: missense variant.
Genome position (GRCh38, 1-based): chr16:1,562,092, A>T on the plus strand (T>A on the coding strand, the complement: IFT140 is on the minus strand). VCF-style: chr16-1562092-A-T. GRCh37 (hg19) VCF-style: chr16-1612093-A-T.
Other names: short protein forms F698I.
Identifiers: ClinVar variation 4697916 (VCV004697916.1).

ClinVar aggregate classification (germline): Uncertain significance (1 of 4 stars; one submission).

Conditions:
Saldino-Mainzer syndrome (SRTD9). Also called: CONORENAL SYNDROME; Renal dysplasia, retinal pigmentary dystrophy, cerebellar ataxia and skeletal dysplasia; SHORT-RIB THORACIC DYSPLASIA 9 WITHOUT POLYDACTYLY; short-rib thoracic dysplasia 9 with or without polydactyly. Identifiers: Orphanet 140969, MedGen C1849437, MONDO:0009964, OMIM 266920.

Submission:

Labcorp Genetics (formerly Invitae), Labcorp
Classification: Uncertain significance for Saldino-Mainzer syndrome. Last evaluated: 2026-01-13. Review status: criteria provided, single submitter. Criteria: Invitae Variant Classification Sherloc (09022015). Collection method: clinical testing. Allele origin: germline.
Comment: This sequence change replaces phenylalanine, which is neutral and non-polar, with isoleucine, which is neutral and non-polar, at codon 698 of the IFT140 protein (p.Phe698Ile). This variant is not present in population databases (gnomAD no frequency). This variant has not been reported in the literature in individuals affected with IFT140-related conditions. Invitae Evidence Modeling of protein sequence and biophysical properties (such as structural, functional, and spatial information, amino acid conservation, physicochemical variation, residue mobility, and thermodynamic stability) has been performed for this missense variant. However, the output from this modeling did not meet the statistical confidence thresholds required to predict the impact of this variant on IFT140 protein function. In summary, the available evidence is currently insufficient to determine the role of this variant in disease. Therefore, it has been classified as a Variant of Uncertain Significance.